The following is an entry in ClinVar:

NM_000260.4(MYO7A):c.1186G>A (p.Asp396Asn)

Gene: MYO7A (myosin VIIA; plus strand). Cytogenetic location: 11q13.5.
Variant type: single nucleotide variant.
Coding change: c.1186G>A on transcript NM_000260.4 (MANE Select); coding-DNA position 1186, G replaced by A.
Protein change: p.Asp396Asn; replaces aspartic acid 396 with asparagine.
Molecular consequence: missense variant.
Genome position (GRCh38, 1-based): chr11:77,160,268, G>A. VCF-style: chr11-77160268-G-A. GRCh37 (hg19) VCF-style: chr11-76871314-G-A.
Other names: c.1186G>A, p.Asp396Asn (NM_001127180.2); c.1153G>A, p.Asp385Asn (NM_001369365.1); short protein forms D396N, D385N.
Identifiers: ClinVar variation 842982 (VCV000842982.11), dbSNP rs375867186, ClinGen allele CA6197403.
Genomic context (GRCh38, chr11:77,160,268, plus strand): 5'-ATCACCCGCGGGGAGACGGTGTCCACCCCACTGAGCAGGGAACAGGCACTGGACGTGCGC[G>A]ACGCCTTCGTAAAGGTGGGCTGGAGGGAAGGGGCCGCTTGCTCGCCCTACCCCTTGGGAA-3'
Protein context (NP_000251.3, residues 386-406): LSREQALDVR[Asp396Asn]AFVKGIYGRL

ClinVar aggregate classification (germline): Uncertain significance. Review status: criteria provided, multiple submitters, no conflicts (2 of 4 stars). 3 submissions from 3 submitters: Uncertain significance (2). 1 of the submissions does not count toward it. Last evaluated 2025-11-03.

Conditions:
Usher syndrome type 1B (USH1B). Also called: Usher syndrome type IB. Identifiers: MedGen C1848638, MONDO:0700087.

Allele frequency attached by ClinVar (database versions not stated): gnomAD exomes 0.00003; TOPMed 0.00003; ExAC 0.00004; ESP Exome Variant Server 0.00008.
gnomAD v4.1: 34 of 1,566,052 alleles (0.0022%); highest among the groups gnomAD compares: East Asian, 0.0048%; 1 homozygote.

Submissions (3):

Labcorp Genetics (formerly Invitae), Labcorp
Classification: Uncertain significance. Last evaluated: 2025-11-03. Review status: criteria provided, single submitter. Criteria: Invitae Variant Classification Sherloc (09022015). Collection method: clinical testing. Allele origin: germline.
Comment: This sequence change replaces aspartic acid, which is acidic and polar, with asparagine, which is neutral and polar, at codon 396 of the MYO7A protein (p.Asp396Asn). The frequency data for this variant in the population databases is considered unreliable, as metrics indicate poor data quality at this position in the gnomAD database. This variant has not been reported in the literature in individuals affected with MYO7A-related conditions. ClinVar contains an entry for this variant (Variation ID: 842982). Invitae Evidence Modeling of protein sequence and biophysical properties (such as structural, functional, and spatial information, amino acid conservation, physicochemical variation, residue mobility, and thermodynamic stability) has been performed for this missense variant. However, the output from this modeling did not meet the statistical confidence thresholds required to predict the impact of this variant on MYO7A protein function. In summary, the available evidence is currently insufficient to determine the role of this variant in disease. Therefore, it has been classified as a Variant of Uncertain Significance.

GeneDx
Classification: Uncertain significance. Last evaluated: 2020-11-16. Review status: criteria provided, single submitter. Criteria: GeneDx Variant Classification Process June 2021. Collection method: clinical testing. Allele origin: germline. Affected: yes.
Comment: In silico analysis supports that this missense variant has a deleterious effect on protein structure/function; Has not been previously published as pathogenic or benign to our knowledge

Natera, Inc.
Classification: Uncertain significance for Usher syndrome type 1B. Last evaluated: 2020-07-16. Review status: no assertion criteria provided. Collection method: clinical testing. Allele origin: germline. Not counted in ClinVar's aggregate classification.